The following is an entry in ClinVar:

NM_002076.4(GNS):c.744C>G (p.Phe248Leu)

Gene: GNS (glucosamine (N-acetyl)-6-sulfatase; minus strand). Cytogenetic location: 12q14.3.
Variant type: single nucleotide variant.
Coding change: c.744C>G on transcript NM_002076.4 (MANE Select); coding-DNA position 744, C replaced by G.
Protein change: p.Phe248Leu; replaces phenylalanine 248 with leucine.
Molecular consequence: missense variant.
Genome position (GRCh38, 1-based): chr12:64,743,189, G>C on the plus strand (C>G on the coding strand, the complement: GNS is on the minus strand). VCF-style: chr12-64743189-G-C. GRCh37 (hg19) VCF-style: chr12-65136969-G-C.
Other names: short protein forms F248L.
Identifiers: ClinVar variation 2003277 (VCV002003277.4), dbSNP rs1378658191, ClinGen allele CA385608943.
Genomic context (GRCh38, chr12:64,743,189, plus strand): 5'-GGGGGAAGCTACCGTTCCATGGATGTTGAAGTTCTTGTTTCTTGGTGCAAAGACATTCTG[G>C]AAAGCCTTCTGGTACTGAGGTGCAGCTGTCCAAGGCGAATGAGGCGCTGGAGTGGCGATC-3'
Protein context (NP_002067.1, residues 238-258): WTAAPQYQKA[Phe248Leu]QNVFAPRNKN

ClinVar aggregate classification (germline): Uncertain significance (1 of 4 stars; one submission).

Conditions:
Mucopolysaccharidosis, MPS-III-D (MPS3D). Also called: N-ACETYLGLUCOSAMINE-6-SULFATASE DEFICIENCY; SANFILIPPO SYNDROME D; MPS III D; Mucopoly-saccharidosis type 3D; N-acetylglucosamine-6-sulfate sulfatase deficiency; MPS 3D. Identifiers: Orphanet 581, Orphanet 79272, MedGen C0086650, MONDO:0009658, OMIM 252940.

Submission:

Labcorp Genetics (formerly Invitae), Labcorp
Classification: Uncertain significance for Mucopolysaccharidosis, MPS-III-D. Last evaluated: 2022-06-08. Review status: criteria provided, single submitter. Criteria: Invitae Variant Classification Sherloc (09022015). Collection method: clinical testing. Allele origin: germline.
Comment: In summary, the available evidence is currently insufficient to determine the role of this variant in disease. Therefore, it has been classified as a Variant of Uncertain Significance. This variant has not been reported in the literature in individuals affected with GNS-related conditions. Algorithms developed to predict the effect of missense changes on protein structure and function are either unavailable or do not agree on the potential impact of this missense change (SIFT: "Deleterious"; PolyPhen-2: "Possibly Damaging"; Align-GVGD: "Class C15"). This sequence change replaces phenylalanine, which is neutral and non-polar, with leucine, which is neutral and non-polar, at codon 248 of the GNS protein (p.Phe248Leu). This variant is not present in population databases (gnomAD no frequency).